The following is an entry in ClinVar:

ClinVar aggregate classification (germline): Uncertain significance. Review status: criteria provided, multiple submitters, no conflicts (2 of 4 stars). 2 submissions from 2 submitters: Uncertain significance (2). Last evaluated 2025-01-23.

Conditions:
Spastic paraplegia. Identifiers: MedGen C0037772, HP:0001258.

Submissions (2):

Labcorp Genetics (formerly Invitae), Labcorp
Classification: Uncertain significance for Spastic paraplegia. Last evaluated: 2025-01-23. Review status: criteria provided, single submitter. Criteria: Invitae Variant Classification Sherloc (09022015). Collection method: clinical testing. Allele origin: germline.
Comment: This sequence change replaces asparagine, which is neutral and polar, with histidine, which is basic and polar, at codon 161 of the KIF5A protein (p.Asn161His). This variant is not present in population databases (gnomAD no frequency). This variant has not been reported in the literature in individuals affected with KIF5A-related conditions. Invitae Evidence Modeling of protein sequence and biophysical properties (such as structural, functional, and spatial information, amino acid conservation, physicochemical variation, residue mobility, and thermodynamic stability) has been performed for this missense variant. However, the output from this modeling did not meet the statistical confidence thresholds required to predict the impact of this variant on KIF5A protein function. In summary, the available evidence is currently insufficient to determine the role of this variant in disease. Therefore, it has been classified as a Variant of Uncertain Significance.

GeneDx
Classification: Uncertain significance. Last evaluated: 2024-12-06. Review status: criteria provided, single submitter. Criteria: GeneDx Variant Classification Process June 2021. Collection method: clinical testing. Allele origin: germline.
Comment: Not observed at significant frequency in large population cohorts (gnomAD); In silico analysis supports that this missense variant has a deleterious effect on protein structure/function; Has not been previously published as pathogenic or benign to our knowledge

NM_004984.4(KIF5A):c.481A>C (p.Asn161His)

Gene: KIF5A (kinesin family member 5A; plus strand). Cytogenetic location: 12q13.3.
Variant type: single nucleotide variant.
Coding change: c.481A>C on transcript NM_004984.4 (MANE Select); coding-DNA position 481, A replaced by C.
Protein change: p.Asn161His; replaces asparagine 161 with histidine.
Molecular consequence: missense variant.
Genome position (GRCh38, 1-based): chr12:57,564,953, A>C. VCF-style: chr12-57564953-A-C. GRCh37 (hg19) VCF-style: chr12-57958736-A-C.
Other names: c.214A>C, p.Asn72His (NM_001354705.2); short protein forms N161H, N72H.
Identifiers: ClinVar variation 3368763 (VCV003368763.4).
Genomic context (GRCh38, chr12:57,564,953, plus strand): 5'-CTTACCCTGCATTCTTTTGATTCAGTGACCAAGACAAATCTGTCCGTGCACGAGGACAAG[A>C]ACCGGGTGCCATTTGTCAAGGTGAGAGTGGGTGTGGGGCACCTATGTGGGGCCAGTGTAT-3'
Protein context (NP_004975.2, residues 151-171): KTNLSVHEDK[Asn161His]RVPFVKGCTE